The following is an entry in ClinVar:

NM_001048174.2(MUTYH):c.1363A>C (p.Thr455Pro)

Gene: MUTYH (mutY DNA glycosylase; minus strand). Cytogenetic location: 1p34.1.
Variant type: single nucleotide variant.
Coding change: c.1363A>C on transcript NM_001048174.2 (MANE Select); coding-DNA position 1363, A replaced by C.
Protein change: p.Thr455Pro; replaces threonine 455 with proline.
Molecular consequence: missense variant. On other transcripts: non-coding transcript variant (2).
Genome position (GRCh38, 1-based): chr1:45,331,211, T>G on the plus strand (A>C on the coding strand, the complement: MUTYH is on the minus strand). VCF-style: chr1-45331211-T-G. GRCh37 (hg19) VCF-style: chr1-45796883-T-G.
Other names: c.1363A>C, p.Thr455Pro (NM_001048171.2, NM_001048173.2, NM_001293195.2); c.1366A>C, p.Thr456Pro (NM_001048172.2); c.1447A>C, p.Thr483Pro (NM_001128425.2); c.1408A>C, p.Thr470Pro (NM_001293190.2); c.1396A>C, p.Thr466Pro (NM_001293191.2); c.1087A>C, p.Thr363Pro (NM_001293192.2, NM_001293196.2); c.1018A>C, p.Thr340Pro (NM_001350650.2, NM_001350651.2); c.1438A>C, p.Thr480Pro (NM_012222.3); and 1 more; short protein forms T340P, T363P, T455P, T456P, T466P, T470P, T480P, T483P.
Identifiers: ClinVar variation 1284505 (VCV001284505.4), dbSNP rs1570363119, ClinGen allele CA340132554.

ClinVar aggregate classification (germline): Uncertain significance. Review status: criteria provided, single submitter (1 of 4 stars). 3 submissions from 3 submitters: Uncertain significance (1). 2 of the submissions do not count toward it. Last evaluated 2024-11-15.

Submissions (3):

Quest Diagnostics Nichols Institute San Juan Capistrano
Classification: Uncertain significance. Last evaluated: 2024-11-15. Review status: criteria provided, single submitter. Criteria: Quest Diagnostics criteria. Collection method: clinical testing. Allele origin: unknown.
Comment: The MUTYH c.1447A>C (p.Thr483Pro) variant has not been reported in individuals with MUTYH-related conditions in the published literature. It also has not been reported in large, multi-ethnic general populations (Genome Aggregation Database). Analysis of this variant using bioinformatics tools for the prediction of the effect of amino acid changes on protein structure and function yielded predictions that this variant is benign. Based on the available information, we are unable to determine the clinical significance of this variant.

Clinical Genetics, Academic Medical Center
Classification: Likely benign. Review status: no assertion criteria provided. Collection method: clinical testing. Allele origin: germline. Affected: yes. Study: VKGL Data-share Consensus. Not counted in ClinVar's aggregate classification.

Diagnostic Laboratory, Department of Genetics, University Medical Center Groningen
Classification: Benign. Review status: no assertion criteria provided. Collection method: clinical testing. Allele origin: germline. Affected: yes. Study: VKGL Data-share Consensus. Not counted in ClinVar's aggregate classification.